The following is an entry in ClinVar:

NM_001164508.2(NEB):c.23021_23022del (p.Glu7674fs)

Genes: NEB (nebulin; minus strand), RIF1 (replication timing regulatory factor 1; plus strand). Cytogenetic location: 2q23.3.
Variant type: Microsatellite.
Coding change: c.23021_23022del on transcript NM_001164508.2 (MANE Select); coding-DNA positions 23021 to 23022, 2 bases deleted (AG; older notation c.23021_23022delAG).
Protein change: p.Glu7674fs; shifts the reading frame from glutamic acid 7674.
Molecular consequence: frameshift variant.
Genome position (GRCh38, 1-based): chr2:151,514,423-151,514,424, CT deleted on the plus strand (AG on the coding strand, the reverse complement: NEB is on the minus strand); deleting any 2 consecutive bases within chr2:151,514,423-151,514,426 gives the same sequence; the c. name uses the placement nearest the transcript's 3' end. VCF-style (leftmost placement, unchanged base first): chr2-151514422-ACT-A. GRCh37 (hg19) VCF-style: chr2-152370936-ACT-A.
Other names: c.23126_23127del (NM_001271208.1); c.23021_23022del, p.Glu7674fs (NM_001164507.2); c.23124_23125AG[1], p.Glu7709Valfs (NM_001271208.1); c.23126_23127del, p.Glu7709fs (NM_001271208.2); c.17918_17919del, p.Glu5973fs (NM_004543.5); short protein forms E5973fs, E7674fs, E7709fs.
Identifiers: ClinVar variation 4814759 (VCV004814759.1).
Genomic context (GRCh38, chr2:151,514,422, plus strand): 5'-GTGTATCTTCCATTTCAGTGAGGCCCTTCCCACGGATGCTTTCCTCTAGATCTTTCCTGT[ACT>A]CTTTCTATATCATGAAAGAAAAGCAACAACATTGACAAGAAAGCCCAGATTGATTCTCTC-3'

ClinVar aggregate classification (germline): Likely pathogenic (1 of 4 stars; one submission).

Conditions:
Nemaline myopathy 2 (NEM2). Also called: Nemaline myopathy 2, autosomal recessive. Identifiers: MedGen C1850569, MONDO:0009725, OMIM 256030.

Submission:

Natera, Inc.
Classification: Likely pathogenic for Nemaline myopathy type 2. Last evaluated: 2025-03-28. Review status: criteria provided, single submitter. Criteria: Natera Variant Classification Schema (03/2026). Collection method: clinical testing. Allele origin: germline.
Comment: The c.23126_23127del variant in NEB is a frameshift variant predicted to shift the reading frame beginning at codon 7709 and leads to a stop codon 16 codons downstream. This variant is expected to result in nonsense mediated decay, truncation, or a dysfunctional protein product. This variant is rare in the general population with a frequency below the threshold expected for the associated phenotype(s). Given the available evidence, this variant is classified as Likely Pathogenic.